The following is an entry in ClinVar:

NM_022455.5(NSD1):c.1492C>G (p.Arg498Gly)

Gene: NSD1 (nuclear receptor binding SET domain protein 1; plus strand). Cytogenetic location: 5q35.3.
Variant type: single nucleotide variant.
Coding change: c.1492C>G on transcript NM_022455.5 (MANE Select); coding-DNA position 1492, C replaced by G.
Protein change: p.Arg498Gly; replaces arginine 498 with glycine.
Molecular consequence: missense variant.
Genome position (GRCh38, 1-based): chr5:177,209,891, C>G. VCF-style: chr5-177209891-C-G. GRCh37 (hg19) VCF-style: chr5-176636892-C-G.
Other names: c.619C>G, p.Arg207Gly (NM_001365684.2, NM_001409306.1, NM_001409307.1 and 3 more transcripts); c.1492C>G, p.Arg498Gly (NM_001409301.1, NM_001409302.1, NM_001409303.1); c.1072C>G, p.Arg358Gly (NM_001409304.1); c.739C>G, p.Arg247Gly (NM_001409305.1); short protein forms R247G, R498G, R207G, R358G.
Identifiers: ClinVar variation 4774498 (VCV004774498.1).
Genomic context (GRCh38, chr5:177,209,891, plus strand): 5'-TCACTGGCTTTTGATTCTGAACATTCTGCAGATGAGAAGGAAAAGCCTTGCGCTAAATCT[C>G]GAGCCAGAAAGAGCTCTGATAATCCAAAAAGGACTAGTGTGAAAAAGGGCCACATACAAT-3'
Protein context (NP_071900.2, residues 488-508): DEKEKPCAKS[Arg498Gly]ARKSSDNPKR

ClinVar aggregate classification (germline): Uncertain significance (1 of 4 stars; one submission).

Submission:

Labcorp Genetics (formerly Invitae), Labcorp
Classification: Uncertain significance. Last evaluated: 2025-07-13. Review status: criteria provided, single submitter. Criteria: Invitae Variant Classification Sherloc (09022015). Collection method: clinical testing. Allele origin: germline.
Comment: This sequence change replaces arginine, which is basic and polar, with glycine, which is neutral and non-polar, at codon 498 of the NSD1 protein (p.Arg498Gly). This variant is not present in population databases (gnomAD no frequency). This variant has not been reported in the literature in individuals affected with NSD1-related conditions. Invitae Evidence Modeling of protein sequence and biophysical properties (such as structural, functional, and spatial information, amino acid conservation, physicochemical variation, residue mobility, and thermodynamic stability) indicates that this missense variant is not expected to disrupt NSD1 protein function with a negative predictive value of 95%. In summary, the available evidence is currently insufficient to determine the role of this variant in disease. Therefore, it has been classified as a Variant of Uncertain Significance.